The following is an entry in ClinVar:

NM_001378418.1(TCF20):c.538G>A (p.Val180Ile)

Gene: TCF20 (transcription factor 20; minus strand). Cytogenetic location: 22q13.2.
Variant type: single nucleotide variant.
Coding change: c.538G>A on transcript NM_001378418.1 (MANE Select); coding-DNA position 538, G replaced by A.
Protein change: p.Val180Ile; replaces valine 180 with isoleucine.
Molecular consequence: missense variant.
Genome position (GRCh38, 1-based): chr22:42,214,768, C>T on the plus strand (G>A on the coding strand, the complement: TCF20 is on the minus strand). VCF-style: chr22-42214768-C-T. GRCh37 (hg19) VCF-style: chr22-42610774-C-T.
Other names: c.538G>A, p.Val180Ile (NM_005650.4, NM_181492.3); short protein forms V180I.
Identifiers: ClinVar variation 2229093 (VCV002229093.2), dbSNP rs1217832762, ClinGen allele CA411792780.

ClinVar aggregate classification (germline): Uncertain significance (1 of 4 stars; one submission).

Conditions:
Inborn genetic diseases. Identifiers: MedGen C0950123, MeSH D030342.

Allele frequency attached by ClinVar (database versions not stated): TOPMed 0.00001.

Submission:

Ambry Genetics
Classification: Uncertain significance for Inborn genetic diseases. Last evaluated: 2021-02-01. Review status: criteria provided, single submitter. Criteria: Ambry Variant Classification Scheme 2023. Collection method: clinical testing. Allele origin: germline.
Comment: The c.538G>A (p.V180I) alteration is located in exon 1 (coding exon 1) of the TCF20 gene. This alteration results from a G to A substitution at nucleotide position 538, causing the valine (V) at amino acid position 180 to be replaced by an isoleucine (I). The p.V180I alteration is predicted to be tolerated by in silico analysis. Based on insufficient or conflicting evidence, the clinical significance of this alteration remains unclear.